The following is an entry in ClinVar:

ClinVar aggregate classification (germline): Pathogenic (1 of 4 stars; one submission).

Allele frequency attached by ClinVar (database versions not stated): gnomAD 0.00001; TOPMed 0.00001.

Submission:

Labcorp Genetics (formerly Invitae), Labcorp
Classification: Pathogenic. Last evaluated: 2025-07-16. Review status: criteria provided, single submitter. Criteria: Invitae Variant Classification Sherloc (09022015). Collection method: clinical testing. Allele origin: germline.
Comment: This sequence change creates a premature translational stop signal (p.Trp166*) in the OSTM1 gene. It is expected to result in an absent or disrupted protein product. Loss-of-function variants in OSTM1 are known to be pathogenic (PMID: 12627228, 15108279, 16813530). This variant is not present in population databases (gnomAD no frequency). This variant has not been reported in the literature in individuals affected with OSTM1-related conditions. ClinVar contains an entry for this variant (Variation ID: 2869196). For these reasons, this variant has been classified as Pathogenic.

Literature cited by the submitters: PubMed 12627228; PubMed 15108279; PubMed 16813530.

NM_014028.4(OSTM1):c.498G>A (p.Trp166Ter)

Gene: OSTM1 (osteoclastogenesis associated transmembrane protein 1; minus strand). Cytogenetic location: 6q21.
Variant type: single nucleotide variant.
Coding change: c.498G>A on transcript NM_014028.4 (MANE Select); coding-DNA position 498, G replaced by A.
Protein change: p.Trp166Ter; replaces tryptophan 166 with a stop codon.
Molecular consequence: nonsense.
Genome position (GRCh38, 1-based): chr6:108,064,204, C>T on the plus strand (G>A on the coding strand, the complement: OSTM1 is on the minus strand). VCF-style: chr6-108064204-C-T. GRCh37 (hg19) VCF-style: chr6-108385408-C-T.
Other names: short protein forms W166*.
Identifiers: ClinVar variation 2869196 (VCV002869196.3), dbSNP rs1256092775, ClinGen allele CA365329127.